The following is an entry in ClinVar:

NM_014679.5(CEP57):c.20C>T (p.Ser7Phe)

Genes: CEP57 (centrosomal protein 57; plus strand), LOC130006618 (ATAC-STARR-seq lymphoblastoid active region 5417; plus strand). Cytogenetic location: 11q21.
Variant type: single nucleotide variant.
Coding change: c.20C>T on transcript NM_014679.5 (MANE Select); coding-DNA position 20, C replaced by T.
Protein change: p.Ser7Phe; replaces serine 7 with phenylalanine.
Molecular consequence: missense variant. On other transcripts: 5 prime UTR variant (2).
Genome position (GRCh38, 1-based): chr11:95,790,718, C>T. VCF-style: chr11-95790718-C-T. GRCh37 (hg19) VCF-style: chr11-95523882-C-T.
Other names: c.-52C>T (NM_001243776.2); c.20C>T, p.Ser7Phe (NM_001243777.2); c.-375C>T (NM_001363604.2); c.20C>T (NM_014679.4); short protein forms S7F.
Identifiers: ClinVar variation 2730561 (VCV002730561.4), dbSNP rs762244415, ClinGen allele CA6239297.

ClinVar aggregate classification (germline): Uncertain significance. Review status: criteria provided, multiple submitters, no conflicts (2 of 4 stars). 2 submissions from 2 submitters: Uncertain significance (2). Last evaluated 2025-05-05.

Conditions:
Mosaic variegated aneuploidy syndrome 2 (MVA2). Identifiers: Orphanet 1052, MedGen C3279843, MONDO:0013582, OMIM 614114.
Inborn genetic diseases. Identifiers: MedGen C0950123, MeSH D030342.

Allele frequency attached by ClinVar (database versions not stated): gnomAD exomes 0.00001; TOPMed 0.00001; ExAC 0.00002.
gnomAD v4.1: 12 of 1,614,092 alleles (0.00074%); highest among the groups gnomAD compares: Middle Eastern, 0.016%; no homozygotes.

Submissions (2):

Ambry Genetics
Classification: Uncertain significance for Inborn genetic diseases. Last evaluated: 2025-05-05. Review status: criteria provided, single submitter. Criteria: Ambry Variant Classification Scheme 2023. Collection method: clinical testing. Allele origin: germline.
Comment: The p.S7F variant (also known as c.20C>T), located in coding exon 1 of the CEP57 gene, results from a C to T substitution at nucleotide position 20. The serine at codon 7 is replaced by phenylalanine, an amino acid with highly dissimilar properties. This amino acid position is conserved. In addition, this alteration is predicted to be tolerated by in silico analysis. Based on the available evidence, the clinical significance of this variant remains unclear.

Labcorp Genetics (formerly Invitae), Labcorp
Classification: Uncertain significance for Mosaic variegated aneuploidy syndrome 2. Last evaluated: 2023-02-21. Review status: criteria provided, single submitter. Criteria: Invitae Variant Classification Sherloc (09022015). Collection method: clinical testing. Allele origin: germline.
Comment: In summary, the available evidence is currently insufficient to determine the role of this variant in disease. Therefore, it has been classified as a Variant of Uncertain Significance. Experimental studies and prediction algorithms are not available or were not evaluated, and the functional significance of this variant is currently unknown. This variant has not been reported in the literature in individuals affected with CEP57-related conditions. This variant is present in population databases (rs762244415, gnomAD 0.007%). This sequence change replaces serine, which is neutral and polar, with phenylalanine, which is neutral and non-polar, at codon 7 of the CEP57 protein (p.Ser7Phe).